The following is an entry in ClinVar:

NM_005732.4(RAD50):c.3281A>G (p.Glu1094Gly)

Gene: RAD50 (RAD50 double strand break repair protein; plus strand). Cytogenetic location: 5q31.1.
Variant type: single nucleotide variant.
Coding change: c.3281A>G on transcript NM_005732.4 (MANE Select); coding-DNA position 3281, A replaced by G.
Protein change: p.Glu1094Gly; replaces glutamic acid 1094 with glycine.
Molecular consequence: missense variant.
Genome position (GRCh38, 1-based): chr5:132,618,186, A>G. VCF-style: chr5-132618186-A-G. GRCh37 (hg19) VCF-style: chr5-131953878-A-G.
Other names: short protein forms E1094G.
Identifiers: ClinVar variation 1729737 (VCV001729737.2), dbSNP rs2479388593, ClinGen allele CA360964676.
Genomic context (GRCh38, chr5:132,618,186, plus strand): 5'-CATTAGGGCGACAGAAAGGTTATGAAGAAGAAATTATTCATTTTAAGAAAGAACTTCGAG[A>G]ACCACAATTTCGGGATGCTGAGGAAAAGTATAGAGAAATGATGATTGTTATGAGGACAAC-3'
Protein context (NP_005723.2, residues 1084-1104): EIIHFKKELR[Glu1094Gly]PQFRDAEEKY

ClinVar aggregate classification (germline): Uncertain significance (1 of 4 stars; one submission).

Conditions:
Hereditary cancer-predisposing syndrome. Also called: Neoplastic Syndromes, Hereditary; Tumor predisposition; Hereditary Cancer Syndrome; Hereditary neoplastic syndrome. Identifiers: Orphanet 140162, MedGen C0027672, MeSH D009386, MONDO:0015356.

Submission:

Ambry Genetics
Classification: Uncertain significance for Hereditary cancer-predisposing syndrome. Last evaluated: 2023-12-01. Review status: criteria provided, single submitter. Criteria: Ambry Variant Classification Scheme 2023. Collection method: clinical testing. Allele origin: germline.
Comment: The p.E1094G variant (also known as c.3281A>G), located in coding exon 21 of the RAD50 gene, results from an A to G substitution at nucleotide position 3281. The glutamic acid at codon 1094 is replaced by glycine, an amino acid with similar properties. This amino acid position is not well conserved in available vertebrate species. In addition, this alteration is predicted to be tolerated by in silico analysis. Since supporting evidence is limited at this time, the clinical significance of this alteration remains unclear.